The following is an entry in ClinVar:

NM_000245.4(MET):c.2412T>C (p.Pro804=)

Gene: MET (MET proto-oncogene, receptor tyrosine kinase; plus strand). Cytogenetic location: 7q31.2.
Variant type: single nucleotide variant.
Coding change: c.2412T>C on transcript NM_000245.4 (MANE Select); coding-DNA position 2412, T replaced by C.
Protein change: p.Pro804=; no amino-acid change (proline 804 retained).
Molecular consequence: synonymous variant.
Genome position (GRCh38, 1-based): chr7:116,763,097, T>C. VCF-style: chr7-116763097-T-C. GRCh37 (hg19) VCF-style: chr7-116403151-T-C.
Other names: c.2466T>C, p.Pro822= (NM_001127500.3); c.2412T>C, p.Pro804= (NM_001324401.3); c.1122T>C, p.Pro374= (NM_001324402.2); c.2466T>C (NM_001127500.1).
Identifiers: ClinVar variation 1119687 (VCV001119687.11), dbSNP rs2116954506, ClinGen allele CA457441658.
Genomic context (GRCh38, chr7:116,763,097, plus strand): 5'-TGTCTTTCTCTAGGCATGTCAACATCGCTCTAATTCAGAGATAATCTGTTGTACCACTCC[T>C]TCCCTGCAACAGCTGAATCTGCAACTCCCCCTGAAAACCAAAGCCTTTTTCATGTTAGAT-3'
Protein context (NP_000236.2, residues 794-814): SNSEIICCTT[Pro804=]SLQQLNLQLP

ClinVar aggregate classification (germline): Benign/Likely benign. Review status: criteria provided, multiple submitters, no conflicts (2 of 4 stars). 3 submissions from 3 submitters: Benign (1); Likely benign (2). Last evaluated 2026-01-22.

Conditions:
Hereditary cancer-predisposing syndrome. Also called: Hereditary Cancer Syndrome; Neoplastic Syndromes, Hereditary; Tumor predisposition; Hereditary neoplastic syndrome. Identifiers: Orphanet 140162, MedGen C0027672, MeSH D009386, MONDO:0015356.
Papillary renal cell carcinoma type 1 (RCCP1). Also called: Renal adenocarcinoma; Renal cell carcinoma 1; Renal cell carcinoma, somatic; RENAL CELL CARCINOMA, PAPILLARY, 1, SOMATIC. Identifiers: Orphanet 47044, MedGen C1336839, OMIM 605074, HP:0011797.
Renal cell carcinoma. Identifiers: Orphanet 217071, MedGen C0007134, MeSH D002292, MONDO:0005086, HP:0005584.

Submissions (3):

Ambry Genetics
Classification: Likely benign for Hereditary cancer-predisposing syndrome. Last evaluated: 2026-01-22. Review status: criteria provided, single submitter. Criteria: Ambry Variant Classification Scheme 2023. Collection method: clinical testing. Allele origin: germline.

Myriad Genetics, Inc.
Classification: Benign for Papillary renal cell carcinoma type 1. Last evaluated: 2024-11-11. Review status: criteria provided, single submitter. Criteria: Myriad Autosomal Dominant, Autosomal Recessive and X-Linked Classification Criteria (2023). Collection method: clinical testing. Allele origin: unknown.
Comment: This variant is considered benign. This variant is a silent/synonymous amino acid change and it is not expected to impact splicing.

Labcorp Genetics (formerly Invitae), Labcorp
Classification: Likely benign for Renal cell carcinoma. Last evaluated: 2020-07-20. Review status: criteria provided, single submitter. Criteria: Invitae Variant Classification Sherloc (09022015). Collection method: clinical testing. Allele origin: germline.